The following is an entry in ClinVar:

ClinVar aggregate classification (germline): Uncertain significance (1 of 4 stars; one submission).

gnomAD v4.1: 1 of 1,614,122 alleles (0.000062%); highest among the groups gnomAD compares: Non-Finnish European, 0.000085%; no homozygotes.

Submission:

CeGaT Center for Human Genetics Tuebingen
Classification: Uncertain significance. Last evaluated: 2025-07-01. Review status: criteria provided, single submitter. Criteria: CeGaT Center For Human Genetics Tuebingen Variant Classification Criteria Version 2. Collection method: clinical testing. Allele origin: germline. Affected: yes. Observed: 1 variant allele.
Comment: EHMT1: PM2, BP4

NM_024757.5(EHMT1):c.644A>T (p.His215Leu)

Gene: EHMT1 (euchromatic histone lysine methyltransferase 1; plus strand). Cytogenetic location: 9q34.3.
Variant type: single nucleotide variant.
Coding change: c.644A>T on transcript NM_024757.5 (MANE Select); coding-DNA position 644, A replaced by T.
Protein change: p.His215Leu; replaces histidine 215 with leucine.
Molecular consequence: missense variant.
Genome position (GRCh38, 1-based): chr9:137,728,350, A>T. VCF-style: chr9-137728350-A-T. GRCh37 (hg19) VCF-style: chr9-140622802-A-T.
Other names: c.644A>T, p.His215Leu (NM_001145527.2, NM_001354263.2, NM_001354611.2); c.551A>T, p.His184Leu (NM_001354259.2, NM_001354612.2); short protein forms H184L, H215L.
Identifiers: ClinVar variation 4085278 (VCV004085278.8).
Genomic context (GRCh38, chr9:137,728,350, plus strand): 5'-GTTATTTCAGTGACCACCTGCTTATGCAGTTATAGTTATTCACTGTCTTTGTTTTGAAGC[A>T]TGCAGCCAGTAAAGATCCCAGAGAAGTTCGAGAAGCTAGAGATCATAAGGAACCAAAAGA-3'
Protein context (NP_079033.4, residues 205-225): KTMPKSVVGL[His215Leu]AASKDPREVR